The following is an entry in ClinVar:

NM_005633.4(SOS1):c.88-3T>C

Gene: SOS1 (SOS Ras/Rac guanine nucleotide exchange factor 1; minus strand). Cytogenetic location: 2p22.1.
Variant type: single nucleotide variant.
Coding change: c.88-3T>C on transcript NM_005633.4 (MANE Select); 3 bases into the intron before coding-DNA position 88, T replaced by C.
Molecular consequence: intron variant.
Genome position (GRCh38, 1-based): chr2:39,067,756, A>G on the plus strand (T>C on the coding strand, the complement: SOS1 is on the minus strand). VCF-style: chr2-39067756-A-G. GRCh37 (hg19) VCF-style: chr2-39294897-A-G.
Other names: c.67-3T>C (NM_001382394.1); c.88-3T>C (NM_001382395.1).
Identifiers: ClinVar variation 2781953 (VCV002781953.3), dbSNP rs2465395731, ClinGen allele CA425790942.
Genomic context (GRCh38, chr2:39,067,756, plus strand): 5'-CAACATACTGAAGAGCATCATCATTAGACTCGAGAGTAGGATGAACTTGCCCCTGGACCT[A>G]TAAACAAAAAGCAAAGTAATTAAAATGTGGGTTCCATATCATTAAACAAATTTTTAAAAC-3'

ClinVar aggregate classification (germline): Uncertain significance (1 of 4 stars; one submission).

Conditions:
RASopathy. Also called: Noonan spectrum disorder; rasopathies. Identifiers: Orphanet 536391, MedGen C5555857, MONDO:0021060.

Submission:

Labcorp Genetics (formerly Invitae), Labcorp
Classification: Uncertain significance for RASopathy. Last evaluated: 2023-11-06. Review status: criteria provided, single submitter. Criteria: Invitae Variant Classification Sherloc (09022015). Collection method: clinical testing. Allele origin: germline.
Comment: This sequence change falls in intron 1 of the SOS1 gene. It does not directly change the encoded amino acid sequence of the SOS1 protein. It affects a nucleotide within the consensus splice site. This variant is not present in population databases (gnomAD no frequency). This variant has not been reported in the literature in individuals affected with SOS1-related conditions. Variants that disrupt the consensus splice site are a relatively common cause of aberrant splicing (PMID: 17576681, 9536098). Algorithms developed to predict the effect of sequence changes on RNA splicing suggest that this variant is not likely to affect RNA splicing. In summary, the available evidence is currently insufficient to determine the role of this variant in disease. Therefore, it has been classified as a Variant of Uncertain Significance.

Literature cited by the submitters: PubMed 17576681; PubMed 9536098.